The following is an entry in ClinVar:

NM_001330078.2(NRXN1):c.334G>A (p.Gly112Ser)

Gene: NRXN1 (neurexin 1; minus strand). Cytogenetic location: 2p16.3.
Variant type: single nucleotide variant.
Coding change: c.334G>A on transcript NM_001330078.2 (MANE Select); coding-DNA position 334, G replaced by A.
Protein change: p.Gly112Ser; replaces glycine 112 with serine.
Molecular consequence: missense variant.
Genome position (GRCh38, 1-based): chr2:51,027,940, C>T on the plus strand (G>A on the coding strand, the complement: NRXN1 is on the minus strand). VCF-style: chr2-51027940-C-T. GRCh37 (hg19) VCF-style: chr2-51255078-C-T.
Other names: c.334G>A, p.Gly112Ser (NM_001135659.3, NM_001330077.2, NM_001330079.2 and 15 more transcripts); short protein forms G112S.
Identifiers: ClinVar variation 2965606 (VCV002965606.3), dbSNP rs868176456, ClinGen allele CA48054918.
Genomic context (GRCh38, chr2:51,027,940, plus strand): 5'-GGTCGATGAAGAGCGTGGTGTTGCGGAACTGGCGGCGGATGCGCACGCTGTGCCAGGCGC[C>T]GTCGTTAACCGGCGTGTCGGCCAGGAGCGTCGCAGGCTCAGCGCAGAAGATGGAGAAGCT-3'
Protein context (NP_001317007.1, residues 102-122): TLLADTPVND[Gly112Ser]AWHSVRIRRQ

ClinVar aggregate classification (germline): Uncertain significance (1 of 4 stars; one submission).

Conditions:
Pitt-Hopkins-like syndrome 2 (PTHSL2). Identifiers: Orphanet 221150, Orphanet 600663, MedGen C3280479, MONDO:0013690, OMIM 614325.

Allele frequency attached by ClinVar (database versions not stated): TOPMed below 0.00001.

Submission:

Labcorp Genetics (formerly Invitae), Labcorp
Classification: Uncertain significance for Pitt-Hopkins-like syndrome 2. Last evaluated: 2023-08-04. Review status: criteria provided, single submitter. Criteria: Invitae Variant Classification Sherloc (09022015). Collection method: clinical testing. Allele origin: germline.
Comment: This sequence change replaces glycine, which is neutral and non-polar, with serine, which is neutral and polar, at codon 112 of the NRXN1 protein (p.Gly112Ser). This variant is not present in population databases (gnomAD no frequency). This variant has not been reported in the literature in individuals affected with NRXN1-related conditions. An algorithm developed to predict the effect of missense changes on protein structure and function (PolyPhen-2) suggests that this variant is likely to be tolerated. In summary, the available evidence is currently insufficient to determine the role of this variant in disease. Therefore, it has been classified as a Variant of Uncertain Significance.